The following is an entry in ClinVar:

NM_006939.4(SOS2):c.838T>C (p.Cys280Arg)

Gene: SOS2 (SOS Ras/Rho guanine nucleotide exchange factor 2; minus strand). Cytogenetic location: 14q21.3.
Variant type: single nucleotide variant.
Coding change: c.838T>C on transcript NM_006939.4 (MANE Select); coding-DNA position 838, T replaced by C.
Protein change: p.Cys280Arg; replaces cysteine 280 with arginine.
Molecular consequence: missense variant.
Genome position (GRCh38, 1-based): chr14:50,182,483, A>G on the plus strand (T>C on the coding strand, the complement: SOS2 is on the minus strand). VCF-style: chr14-50182483-A-G. GRCh37 (hg19) VCF-style: chr14-50649201-A-G.
Other names: short protein forms C280R.
Identifiers: ClinVar variation 1476142 (VCV001476142.6), dbSNP rs2139709714, ClinGen allele CA389647634.
Genomic context (GRCh38, chr14:50,182,483, plus strand): 5'-TAGGGCTTTAATGAGAATATAAGTAGTTTTGTAAACTTACTTCTGCCAAATCTTCAAAAC[A>G]GCTGCCAGCTAAGGGATGAGGACTGCTTTCATCAGTCATTTCAACTGTGTCTTCAATCAA-3'
Protein context (NP_008870.2, residues 270-290): ESSPHPLAGS[Cys280Arg]FEDLAEEQAF

ClinVar aggregate classification (germline): Uncertain significance (1 of 4 stars; one submission).

Conditions:
Noonan syndrome 9 (NS9). Identifiers: Orphanet 648, MedGen C4225282, MONDO:0014691, OMIM 616559.

Submission:

Labcorp Genetics (formerly Invitae), Labcorp
Classification: Uncertain significance for Noonan syndrome 9. Last evaluated: 2023-08-17. Review status: criteria provided, single submitter. Criteria: Invitae Variant Classification Sherloc (09022015). Collection method: clinical testing. Allele origin: germline.
Comment: This sequence change replaces cysteine, which is neutral and slightly polar, with arginine, which is basic and polar, at codon 280 of the SOS2 protein (p.Cys280Arg). This variant is not present in population databases (gnomAD no frequency). This variant has not been reported in the literature in individuals affected with SOS2-related conditions. ClinVar contains an entry for this variant (Variation ID: 1476142). Advanced modeling of protein sequence and biophysical properties (such as structural, functional, and spatial information, amino acid conservation, physicochemical variation, residue mobility, and thermodynamic stability) performed at Invitae indicates that this missense variant is expected to disrupt SOS2 protein function. In summary, the available evidence is currently insufficient to determine the role of this variant in disease. Therefore, it has been classified as a Variant of Uncertain Significance.